The following is an entry in ClinVar:

ClinVar aggregate classification (germline): Uncertain significance (1 of 4 stars; one submission).

Submission:

Labcorp Genetics (formerly Invitae), Labcorp
Classification: Uncertain significance. Last evaluated: 2025-01-27. Review status: criteria provided, single submitter. Criteria: Invitae Variant Classification Sherloc (09022015). Collection method: clinical testing. Allele origin: germline.
Comment: This sequence change affects codon 351 of the TARS2 mRNA. It is a 'silent' change, meaning that it does not change the encoded amino acid sequence of the TARS2 protein. This variant is not present in population databases (gnomAD no frequency). This variant has not been reported in the literature in individuals affected with TARS2-related conditions. ClinVar contains an entry for this variant (Variation ID: 2106750). Algorithms developed to predict the effect of sequence changes on RNA splicing suggest that this variant may create or strengthen a splice site. In summary, the available evidence is currently insufficient to determine the role of this variant in disease. Therefore, it has been classified as a Variant of Uncertain Significance.

NM_025150.5(TARS2):c.1053G>A (p.Val351=)

Gene: TARS2 (threonyl-tRNA synthetase 2, mitochondrial; plus strand). Cytogenetic location: 1q21.2.
Variant type: single nucleotide variant.
Coding change: c.1053G>A on transcript NM_025150.5 (MANE Select); coding-DNA position 1053, G replaced by A.
Protein change: p.Val351=; no amino-acid change (valine 351 retained).
Molecular consequence: synonymous variant. On other transcripts: non-coding transcript variant (2).
Genome position (GRCh38, 1-based): chr1:150,497,562, G>A. VCF-style: chr1-150497562-G-A. GRCh37 (hg19) VCF-style: chr1-150470038-G-A.
Other names: c.807G>A, p.Val269= (NM_001271895.2); c.663G>A, p.Val221= (NM_001271896.2).
Identifiers: ClinVar variation 2106750 (VCV002106750.4), dbSNP rs2526312482, ClinGen allele CA420689235.